The following is an entry in ClinVar:

NM_030773.4(TUBB1):c.890G>A (p.Arg297His)

Gene: TUBB1 (tubulin beta 1 class VI; plus strand). Cytogenetic location: 20q13.32.
Variant type: single nucleotide variant.
Coding change: c.890G>A on transcript NM_030773.4 (MANE Select); coding-DNA position 890, G replaced by A.
Protein change: p.Arg297His; replaces arginine 297 with histidine.
Molecular consequence: missense variant.
Genome position (GRCh38, 1-based): chr20:59,024,317, G>A. VCF-style: chr20-59024317-G-A. GRCh37 (hg19) VCF-style: chr20-57599372-G-A.
Other names: short protein forms R297H.
Identifiers: ClinVar variation 1684368 (VCV001684368.1), dbSNP rs755599464, ClinGen allele CA9928610.

ClinVar aggregate classification (germline): Uncertain significance (0 of 4 stars; one submission).

Conditions:
Macrothrombocytopenia, isolated, 1, autosomal dominant (MACTHC1). Also called: Autosomal dominant macrothrombocytopenia TUBB1-related. Identifiers: Orphanet 140957, MedGen C5676892, MONDO:0800047, OMIM 613112.

Allele frequency attached by ClinVar (database versions not stated): gnomAD exomes below 0.00001; ExAC 0.00001.

Submission:

ISTH-SSC Genomics in Thrombosis and Hemostasis, KU Leuven, Center for Molecular and Vascular Biology
Classification: Uncertain significance for Macrothrombocytopenia, isolated, 1, autosomal dominant. Review status: no assertion criteria provided. Collection method: clinical testing. Allele origin: germline. Affected: yes.
Comment: Submitted to GoldVariant by Juliana Perez Botero from Versiti Diagnostic Laboratories, USA